The following is an entry in ClinVar:

ClinVar aggregate classification (germline): Uncertain significance. Review status: criteria provided, multiple submitters, no conflicts (2 of 4 stars). 2 submissions from 2 submitters: Uncertain significance (2). Last evaluated 2025-07-02.

Conditions:
Bethlem myopathy 1A. Also called: Bethlem Muscular Dystrophy; Bethlem myopathy 1; MYOPATHY, BENIGN CONGENITAL, WITH CONTRACTURES. Identifiers: Orphanet 610, MedGen CN029274, MONDO:0024530, OMIM 158810.

Allele frequency attached by ClinVar (database versions not stated): gnomAD 0.00001 and 0.00002; ExAC 0.00002; gnomAD exomes 0.00002; TOPMed 0.00002; 1000 Genomes Project 0.00020; 1000 Genomes Project 30x 0.00031.

Submissions (2):

Labcorp Genetics (formerly Invitae), Labcorp
Classification: Uncertain significance for Bethlem myopathy 1A. Last evaluated: 2025-07-02. Review status: criteria provided, single submitter. Criteria: Invitae Variant Classification Sherloc (09022015). Collection method: clinical testing. Allele origin: germline.
Comment: This sequence change replaces arginine, which is basic and polar, with cysteine, which is neutral and slightly polar, at codon 130 of the COL6A2 protein (p.Arg130Cys). This variant is present in population databases (rs557545831, gnomAD 0.006%). This missense change has been observed in individual(s) with clinical features of COL6A2-related conditions (PMID: 32528171). ClinVar contains an entry for this variant (Variation ID: 946463). Invitae Evidence Modeling of protein sequence and biophysical properties (such as structural, functional, and spatial information, amino acid conservation, physicochemical variation, residue mobility, and thermodynamic stability) indicates that this missense variant is expected to disrupt COL6A2 protein function with a positive predictive value of 80%. In summary, the available evidence is currently insufficient to determine the role of this variant in disease. Therefore, it has been classified as a Variant of Uncertain Significance.

CeGaT Center for Human Genetics Tuebingen
Classification: Uncertain significance. Last evaluated: 2024-08-01. Review status: criteria provided, single submitter. Criteria: CeGaT Center For Human Genetics Tuebingen Variant Classification Criteria Version 2. Collection method: clinical testing. Allele origin: germline. Affected: yes. Observed: 1 variant allele.
Comment: COL6A2: PM2

Literature cited by the submitters: PubMed 32528171 (cited by Labcorp Genetics (formerly Invitae), Labcorp).

NM_001849.4(COL6A2):c.388C>T (p.Arg130Cys)

Gene: COL6A2 (collagen type VI alpha 2 chain; plus strand). Cytogenetic location: 21q22.3.
Variant type: single nucleotide variant.
Coding change: c.388C>T on transcript NM_001849.4 (MANE Select); coding-DNA position 388, C replaced by T.
Protein change: p.Arg130Cys; replaces arginine 130 with cysteine.
Molecular consequence: missense variant.
Genome position (GRCh38, 1-based): chr21:46,112,251, C>T. VCF-style: chr21-46112251-C-T. GRCh37 (hg19) VCF-style: chr21-47532165-C-T.
Other names: c.388C>T, p.Arg130Cys (NM_058174.3, NM_058175.3); short protein forms R130C.
Identifiers: ClinVar variation 946463 (VCV000946463.26), dbSNP rs557545831, ClinGen allele CA10071279.